The following is an entry in ClinVar:

NM_001128840.3(CACNA1D):c.2587G>C (p.Gly863Arg)

Gene: CACNA1D (calcium voltage-gated channel subunit alpha1 D; plus strand). Cytogenetic location: 3p21.1.
Variant type: single nucleotide variant.
Coding change: c.2587G>C on transcript NM_001128840.3 (MANE Select); coding-DNA position 2587, G replaced by C.
Protein change: p.Gly863Arg; replaces glycine 863 with arginine.
Molecular consequence: missense variant.
Genome position (GRCh38, 1-based): chr3:53,732,928, G>C. VCF-style: chr3-53732928-G-C. GRCh37 (hg19) VCF-style: chr3-53766955-G-C.
Other names: c.2647G>C, p.Gly883Arg (NM_000720.4); c.2587G>C, p.Gly863Arg (NM_001128839.3); short protein forms G863R, G883R.
Identifiers: ClinVar variation 4879711 (VCV004879711.1).

ClinVar aggregate classification (germline): Uncertain significance (1 of 4 stars; one submission).

Conditions:
Aldosterone-producing adenoma with seizures and neurological abnormalities. Also called: Primary aldosteronism, seizures, and neurologic abnormalities. Identifiers: Orphanet 369929, MedGen C3809609, MONDO:0014200, OMIM 615474.

Submission:

Victorian Clinical Genetics Services, Murdoch Childrens Research Institute
Classification: Uncertain significance for Aldosterone-producing adenoma with seizures and neurological abnormalities. Last evaluated: 2026-07-15. Review status: criteria provided, single submitter. Criteria: ACMG Guidelines, 2015. Collection method: clinical testing. Allele origin: germline. Affected: yes.
Comment: This variant is classified as VUS-3A. Evidence in support of pathogenic classification: Variant is absent from gnomAD (v2, v3 and v4); Missense variant predicted to be damaging by in silico tool(s) or highly conserved with a major amino acid change. Additional information: Variant is predicted to result in a missense amino acid change from Gly to Arg; This variant is heterozygous; This gene is associated with both recessive and dominant disease. Missense variants with a gain of function mechanism in the brain-specific isoform, and loss of function in the cardiac-specific isoform results in dominant disease. Loss of function variants (presumably in both isoforms) cause recessive disease (PMID: 36430690, PMID: 30054272); Alternative amino acid change(s) at the same position are present in gnomAD (v4: 4 heterozygote(s), 0 homozygote(s)). - This variant has no previous evidence of pathogenicity; Segregation evidence for this variant is inconclusive. No published functional evidence has been identified for this variant; No comparable missense variants have previous evidence for pathogenicity; Variant is not located in an established domain, motif, hotspot or informative constraint region; Loss of function and gain of function are known mechanisms of disease in this gene and are associated with sinoatrial node dysfunction and deafness (MIM#614896) and primary aldosteronism, seizures, and neurologic abnormalities (MIM#615474), respectively (PMID: 36430690, PMID: 30054272); Inheritance information for this variant is not currently available in this individual.

Literature cited by the submitters: PubMed 30054272; PubMed 36430690.